The following is an entry in ClinVar:

NM_182914.3(SYNE2):c.18601C>G (p.Arg6201Gly)

Gene: SYNE2 (spectrin repeat containing nuclear envelope protein 2; plus strand). Cytogenetic location: 14q23.2.
Variant type: single nucleotide variant.
Coding change: c.18601C>G on transcript NM_182914.3 (MANE Select); coding-DNA position 18601, C replaced by G.
Protein change: p.Arg6201Gly; replaces arginine 6201 with glycine.
Molecular consequence: missense variant.
Genome position (GRCh38, 1-based): chr14:64,210,002, C>G. VCF-style: chr14-64210002-C-G. GRCh37 (hg19) VCF-style: chr14-64676720-C-G.
Other names: c.18601C>G, p.Arg6201Gly (NM_015180.6); short protein forms R6201G.
Identifiers: ClinVar variation 3608471 (VCV003608471.2).
Genomic context (GRCh38, chr14:64,210,002, plus strand): 5'-GCCTTTCAGCGGCAGATTCATGAGCGGCTCACTCAGCTGGAGCTCATCAACAAGCAGTAC[C>G]GGCGGCTGGCCCGGGAGAACCGCACAGACACGGCCAGCAGGCTGAAGCAGATGGTCCACG-3'
Protein context (NP_878918.2, residues 6191-6211): TQLELINKQY[Arg6201Gly]RLARENRTDT

ClinVar aggregate classification (germline): Uncertain significance (1 of 4 stars; one submission).

Conditions:
Emery-Dreifuss muscular dystrophy 5, autosomal dominant (EDMD5). Also called: EMERY-DREIFUSS MUSCULAR DYSTROPHY 5. Identifiers: Orphanet 261, MedGen C2751805, MONDO:0013072, OMIM 612999.

gnomAD v4.1: 7 of 1,613,982 alleles (0.00043%); highest among the groups gnomAD compares: African/African-American, 0.0027%; no homozygotes.

Submission:

Labcorp Genetics (formerly Invitae), Labcorp
Classification: Uncertain significance for Emery-Dreifuss muscular dystrophy 5, autosomal dominant. Last evaluated: 2024-11-12. Review status: criteria provided, single submitter. Criteria: Invitae Variant Classification Sherloc (09022015). Collection method: clinical testing. Allele origin: germline.
Comment: This sequence change replaces arginine, which is basic and polar, with glycine, which is neutral and non-polar, at codon 6201 of the SYNE2 protein (p.Arg6201Gly). This variant is present in population databases (no rsID available, gnomAD 0.008%). This variant has not been reported in the literature in individuals affected with SYNE2-related conditions. An algorithm developed to predict the effect of missense changes on protein structure and function (PolyPhen-2) suggests that this variant is likely to be tolerated. In summary, the available evidence is currently insufficient to determine the role of this variant in disease. Therefore, it has been classified as a Variant of Uncertain Significance.